The following is an entry in ClinVar:

NM_000206.3(IL2RG):c.465G>A (p.Trp155Ter)

Gene: IL2RG (interleukin 2 receptor subunit gamma; minus strand). Cytogenetic location: Xq13.1.
Variant type: single nucleotide variant.
Coding change: c.465G>A on transcript NM_000206.3 (MANE Select); coding-DNA position 465, G replaced by A.
Protein change: p.Trp155Ter; replaces tryptophan 155 with a stop codon.
Molecular consequence: nonsense.
Genome position (GRCh38, 1-based): chrX:71,110,285, C>T on the plus strand (G>A on the coding strand, the complement: IL2RG is on the minus strand). VCF-style: chrX-71110285-C-T. GRCh37 (hg19) VCF-style: chrX-70330135-C-T.
Other names: short protein forms W155*.
Identifiers: ClinVar variation 633276 (VCV000633276.1), dbSNP rs1569479994, ClinGen allele CA413496489.

ClinVar aggregate classification (germline): Likely pathogenic (1 of 4 stars; one submission).

Conditions:
X-linked severe combined immunodeficiency (SCIDX1). Also called: X-Linked Combined Immunodeficiency Diseases; IMMUNODEFICIENCY 4; SCID, X-LINKED; SEVERE COMBINED IMMUNODEFICIENCY, X-LINKED, T CELL-NEGATIVE, B CELL-POSITIVE, NK CELL-NEGATIVE; T-B+ severe combined immunodeficiency due to gamma chain deficiency. Identifiers: Orphanet 276, MedGen C6022468, MONDO:0010315, OMIM 300400. Disease mechanism: loss of function.

Submission:

Women's Health and Genetics/Laboratory Corporation of America, LabCorp
Classification: Likely pathogenic for X-linked severe combined immunodeficiency. Last evaluated: 2018-02-01. Review status: criteria provided, single submitter. Criteria: LabCorp Variant Classification Summary - May 2015. Collection method: clinical testing. Allele origin: germline.
Comment: Variant summary: IL2RG c.465G>A (p.Trp155X) results in a premature termination codon, predicted to cause a truncation of the encoded protein or absence of the protein due to nonsense mediated decay, which are commonly known mechanisms for disease. Truncations downstream of this position have been classified as pathogenic by our laboratory (eg. c.562C>T [p.Gln188X] and c.703C>T [p.Gln235X]). The variant was absent from 178665 control chromosomes of the gnomAD dataset. To our knowledge, no occurrence of c.465G>A in individuals affected with X-Linked Severe Combined Immunodeficiency and no experimental evidence demonstrating its impact on protein function have been reported. No clinical diagnostic laboratories have submitted clinical-significance assessments for this variant to ClinVar after 2014. Based on the evidence outlined above, the variant was classified as likely pathogenic.